The following is an entry in ClinVar:

ClinVar aggregate classification (germline): Likely pathogenic (1 of 4 stars; one submission).

Submission:

GeneDx
Classification: Likely pathogenic. Last evaluated: 2024-10-10. Review status: criteria provided, single submitter. Criteria: GeneDx Variant Classification Process June 2021. Collection method: clinical testing. Allele origin: germline. Affected: yes.
Comment: Frameshift variant predicted to result in protein truncation or nonsense mediated decay in a gene for which loss of function is a known mechanism of disease; Not observed at significant frequency in large population cohorts (gnomAD); Has not been previously published as pathogenic or benign to our knowledge

NM_000250.2(MPO):c.760_764del (p.Gln254fs)

Gene: MPO (myeloperoxidase; minus strand). Cytogenetic location: 17q22.
Variant type: Deletion.
Coding change: c.760_764del on transcript NM_000250.2 (MANE Select); coding-DNA positions 760 to 764, 5 bases deleted (CAATG; older notation c.760_764delCAATG).
Protein change: p.Gln254fs; shifts the reading frame from glutamine 254.
Molecular consequence: frameshift variant.
Genome position (GRCh38, 1-based): chr17:58,279,129-58,279,133, CATTG deleted on the plus strand (CAATG on the coding strand, the reverse complement: MPO is on the minus strand); deleting any 5 consecutive bases within chr17:58,279,129-58,279,136 gives the same sequence; the c. name uses the placement nearest the transcript's 3' end. VCF-style (leftmost placement, unchanged base first): chr17-58279128-CCATTG-C. GRCh37 (hg19) VCF-style: chr17-56356489-CCATTG-C.
Other names: c.757_761delATGCA, p.Gln254Glyfs (NM_000250.1); short protein forms Q254fs.
Identifiers: ClinVar variation 3893371 (VCV003893371.1).